The following is an entry in ClinVar:

ClinVar aggregate classification (germline): Likely benign (1 of 4 stars; one submission).

Allele frequency attached by ClinVar (database versions not stated): ExAC 0.00012; TOPMed 0.00026; gnomAD 0.00029; 1000 Genomes Project 0.00040; 1000 Genomes Project 30x 0.00047.
gnomAD v4.1: 375 of 1,482,228 alleles (0.025%); highest among the groups gnomAD compares: Middle Eastern, 0.28%; no homozygotes.

Submission:

CeGaT Center for Human Genetics Tuebingen
Classification: Likely benign. Last evaluated: 2022-07-01. Review status: criteria provided, single submitter. Criteria: CeGaT Center For Human Genetics Tuebingen Variant Classification Criteria Version 2. Collection method: clinical testing. Allele origin: germline. Affected: yes. Observed: 1 variant allele.
Comment: PON2: BP4, BP7

NM_000305.3(PON2):c.-52C>G

Genes: ASB4 (ankyrin repeat and SOCS box containing 4; plus strand), PON2 (paraoxonase 2; minus strand), LOC107986822 (uncharacterized LOC107986822; plus strand). Cytogenetic location: 7q21.3.
Variant type: single nucleotide variant.
Coding change: c.-52C>G on transcript NM_000305.3 (MANE Select); 52 bases upstream of the start codon, C replaced by G.
Molecular consequence: 5 prime UTR variant.
Genome position (GRCh38, 1-based): chr7:95,435,003, G>C on the plus strand (C>G on the coding strand, the complement: PON2 is on the minus strand). VCF-style: chr7-95435003-G-C. GRCh37 (hg19) VCF-style: chr7-95064315-G-C.
Other names: c.-52C>G (NM_001018161.2).
Identifiers: ClinVar variation 2657691 (VCV002657691.24), dbSNP rs568985273, ClinGen allele CA4351207.